The following is an entry in ClinVar:

ClinVar aggregate classification (germline): Uncertain significance. Review status: criteria provided, multiple submitters, no conflicts (2 of 4 stars). 2 submissions from 2 submitters: Uncertain significance (2). Last evaluated 2025-09-04.

Conditions:
Inborn genetic diseases. Identifiers: MedGen C0950123, MeSH D030342.
Generalized epilepsy with febrile seizures plus, type 7 (GEFSP7). Also called: GEFS+, TYPE 7. Identifiers: Orphanet 36387, MedGen C2751778, MONDO:0013470, OMIM 613863.
Neuropathy, hereditary sensory and autonomic, type 2A (HSAN2A). Also called: HSAN IIA; NEUROPATHY, CONGENITAL SENSORY; MORVAN DISEASE; NEUROPATHY, HEREDITARY SENSORY RADICULAR, AUTOSOMAL RECESSIVE; NEUROPATHY, HEREDITARY SENSORY, TYPE IIA; NEUROPATHY, PROGRESSIVE SENSORY, OF CHILDREN. Identifiers: Orphanet 970, MedGen C2752089, MONDO:0024309, OMIM 201300.

Allele frequency attached by ClinVar (database versions not stated): gnomAD exomes below 0.00001.
gnomAD v4.1: 2 of 1,614,020 alleles (0.00012%); highest among the groups gnomAD compares: Non-Finnish European, 0.00017%; no homozygotes.

Submissions (2):

Ambry Genetics
Classification: Uncertain significance for Inborn genetic diseases. Last evaluated: 2025-09-04. Review status: criteria provided, single submitter. Criteria: Ambry Variant Classification Scheme 2023. Collection method: clinical testing. Allele origin: germline.

Labcorp Genetics (formerly Invitae), Labcorp
Classification: Uncertain significance for Neuropathy, hereditary sensory and autonomic, type 2A; Generalized epilepsy with febrile seizures plus, type 7. Last evaluated: 2020-06-05. Review status: criteria provided, single submitter. Criteria: Invitae Variant Classification Sherloc (09022015). Collection method: clinical testing. Allele origin: germline.
Comment: This sequence change replaces arginine with histidine at codon 911 of the SCN9A protein (p.Arg911His). The arginine residue is highly conserved and there is a small physicochemical difference between arginine and histidine. This variant is not present in population databases (ExAC no frequency). This variant has not been reported in the literature in individuals with SCN9A-related conditions. Algorithms developed to predict the effect of missense changes on protein structure and function (SIFT, PolyPhen-2, Align-GVGD) all suggest that this variant is likely to be disruptive, but these predictions have not been confirmed by published functional studies and their clinical significance is uncertain. In summary, the available evidence is currently insufficient to determine the role of this variant in disease. Therefore, it has been classified as a Variant of Uncertain Significance.

NM_001365536.1(SCN9A):c.2765G>A (p.Arg922His)

Genes: SCN9A (sodium voltage-gated channel alpha subunit 9; minus strand), SCN1A-AS1 (SCN1A and SCN9A antisense RNA 1; plus strand). Cytogenetic location: 2q24.3.
Variant type: single nucleotide variant.
Coding change: c.2765G>A on transcript NM_001365536.1 (MANE Select); coding-DNA position 2765, G replaced by A.
Protein change: p.Arg922His; replaces arginine 922 with histidine.
Molecular consequence: missense variant. On other transcripts: non-coding transcript variant (1).
Genome position (GRCh38, 1-based): chr2:166,277,092, C>T on the plus strand (G>A on the coding strand, the complement: SCN9A is on the minus strand). VCF-style: chr2-166277092-C-T. GRCh37 (hg19) VCF-style: chr2-167133602-C-T.
Other names: c.2732G>A, p.Arg911His (NM_002977.4); short protein forms R911H, R922H.
Identifiers: ClinVar variation 956131 (VCV000956131.13), dbSNP rs1697269216, ClinGen allele CA349077518.
Genomic context (GRCh38, chr2:166,277,092, plus strand): 5'-GCTTGACCAGCGACCTCCATACAGTCCCACATGGTCTCTATCCACTCTCCACACAGCACG[C>T]GGAACACAATCAGGAAGGAGTGGAAGAAGTCGTTCATGTGCCACCGTGGGAGCGTACAGT-3'
Protein context (NP_001352465.1, residues 912-932): DFFHSFLIVF[Arg922His]VLCGEWIETM